The following is an entry in ClinVar:

ClinVar aggregate classification (germline): Likely benign (1 of 4 stars; one submission).

Allele frequency attached by ClinVar (database versions not stated): gnomAD 0.00013; TOPMed 0.00015; ESP Exome Variant Server 0.00038; 1000 Genomes Project 30x 0.00047; 1000 Genomes Project 0.00060.
gnomAD v4.1: 135 of 1,566,520 alleles (0.0086%); highest among the groups gnomAD compares: East Asian, 0.15%; no homozygotes.

Submission:

CeGaT Center for Human Genetics Tuebingen
Classification: Likely benign. Last evaluated: 2023-04-01. Review status: criteria provided, single submitter. Criteria: CeGaT Center For Human Genetics Tuebingen Variant Classification Criteria Version 2. Collection method: clinical testing. Allele origin: germline. Affected: yes. Observed: 1 variant allele.
Comment: KRTAP10-11: BP4, BP7

NM_198692.3(KRTAP10-11):c.375G>A (p.Ser125=)

Genes: KRTAP10-11 (keratin associated protein 10-11; plus strand), TSPEAR (thrombospondin type laminin G domain and EAR repeats; minus strand). Cytogenetic location: 21q22.3.
Variant type: single nucleotide variant.
Coding change: c.375G>A on transcript NM_198692.3 (MANE Select); coding-DNA position 375, G replaced by A.
Protein change: p.Ser125=; no amino-acid change (serine 125 retained).
Molecular consequence: synonymous variant. On other transcripts: intron variant (2).
Genome position (GRCh38, 1-based): chr21:44,646,833, G>A. VCF-style: chr21-44646833-G-A. GRCh37 (hg19) VCF-style: chr21-46066750-G-A.
Other names: c.82+64600C>T (NM_144991.3); c.-123+43712C>T (NM_001272037.2).
Identifiers: ClinVar variation 2652777 (VCV002652777.24), dbSNP rs192041610, ClinGen allele CA10060839.